The following is an entry in ClinVar:

NM_004092.4(ECHS1):c.477G>C (p.Gln159His)

Gene: ECHS1 (enoyl-CoA hydratase, short chain 1; minus strand). Cytogenetic location: 10q26.3.
Variant type: single nucleotide variant.
Coding change: c.477G>C on transcript NM_004092.4 (MANE Select); coding-DNA position 477, G replaced by C.
Protein change: p.Gln159His; replaces glutamine 159 with histidine.
Molecular consequence: missense variant.
Genome position (GRCh38, 1-based): chr10:133,368,960, C>G on the plus strand (G>C on the coding strand, the complement: ECHS1 is on the minus strand). VCF-style: chr10-133368960-C-G. GRCh37 (hg19) VCF-style: chr10-135182464-C-G.
Other names: short protein forms Q159H.
Identifiers: ClinVar variation 2128095 (VCV002128095.4), dbSNP rs980941417, ClinGen allele CA216817827.

ClinVar aggregate classification (germline): Likely pathogenic (1 of 4 stars; one submission).

Allele frequency attached by ClinVar (database versions not stated): TOPMed below 0.00001; gnomAD 0.00001.
gnomAD v4.1: 1 of 1,613,666 alleles (0.000062%); highest among the groups gnomAD compares: African/African-American, 0.0013%; no homozygotes.

Submission:

Labcorp Genetics (formerly Invitae), Labcorp
Classification: Likely pathogenic. Last evaluated: 2022-04-19. Review status: criteria provided, single submitter. Criteria: Invitae Variant Classification Sherloc (09022015). Collection method: clinical testing. Allele origin: germline.
Comment: This variant disrupts the p.Gln159 amino acid residue in ECHS1. Other variant(s) that disrupt this residue have been determined to be pathogenic (PMID: 26081110, 26099313, 28409271, 29575569). This suggests that this residue is clinically significant, and that variants that disrupt this residue are likely to be disease-causing. In summary, the currently available evidence indicates that the variant is pathogenic, but additional data are needed to prove that conclusively. Therefore, this variant has been classified as Likely Pathogenic. Advanced modeling of protein sequence and biophysical properties (such as structural, functional, and spatial information, amino acid conservation, physicochemical variation, residue mobility, and thermodynamic stability) performed at Invitae indicates that this missense variant is expected to disrupt ECHS1 protein function. This variant has not been reported in the literature in individuals affected with ECHS1-related conditions. This variant is not present in population databases (gnomAD no frequency). This sequence change replaces glutamine, which is neutral and polar, with histidine, which is basic and polar, at codon 159 of the ECHS1 protein (p.Gln159His).

Literature cited by the submitters: PubMed 26081110; PubMed 26099313; PubMed 28409271; PubMed 29575569.